The following is an entry in ClinVar:

ClinVar aggregate classification (germline): Conflicting classifications of pathogenicity. Review status: criteria provided, conflicting classifications (1 of 4 stars). 2 submissions from 2 submitters: Uncertain significance (1); Likely benign (1). Last evaluated 2024-01-11.

Conditions:
Cardiovascular phenotype. Identifiers: MedGen CN230736.

Allele frequency attached by ClinVar (database versions not stated): gnomAD 0.00004.
gnomAD v4.1: 53 of 1,612,012 alleles (0.0033%); highest among the groups gnomAD compares: Admixed American, 0.0084%; no homozygotes.

Submissions (2):

Labcorp Genetics (formerly Invitae), Labcorp
Classification: Uncertain significance. Last evaluated: 2024-01-11. Review status: criteria provided, single submitter. Criteria: Invitae Variant Classification Sherloc (09022015). Collection method: clinical testing. Allele origin: germline.
Comment: This sequence change replaces valine, which is neutral and non-polar, with leucine, which is neutral and non-polar, at codon 63 of the EPHB4 protein (p.Val63Leu). This variant is present in population databases (rs752453773, gnomAD 0.01%). This variant has not been reported in the literature in individuals affected with EPHB4-related conditions. ClinVar contains an entry for this variant (Variation ID: 1781867). Advanced modeling of protein sequence and biophysical properties (such as structural, functional, and spatial information, amino acid conservation, physicochemical variation, residue mobility, and thermodynamic stability) performed at Invitae indicates that this missense variant is not expected to disrupt EPHB4 protein function with a negative predictive value of 80%. In summary, the available evidence is currently insufficient to determine the role of this variant in disease. Therefore, it has been classified as a Variant of Uncertain Significance.

Ambry Genetics
Classification: Likely benign for Cardiovascular phenotype. Last evaluated: 2022-04-04. Review status: criteria provided, single submitter. Criteria: Ambry Variant Classification Scheme 2023. Collection method: clinical testing. Allele origin: germline.

NM_004444.5(EPHB4):c.187G>C (p.Val63Leu)

Gene: EPHB4 (EPH receptor B4; minus strand). Cytogenetic location: 7q22.1.
Variant type: single nucleotide variant.
Coding change: c.187G>C on transcript NM_004444.5 (MANE Select); coding-DNA position 187, G replaced by C.
Protein change: p.Val63Leu; replaces valine 63 with leucine.
Molecular consequence: missense variant.
Genome position (GRCh38, 1-based): chr7:100,823,868, C>G on the plus strand (G>C on the coding strand, the complement: EPHB4 is on the minus strand). VCF-style: chr7-100823868-C-G. GRCh37 (hg19) VCF-style: chr7-100421490-C-G.
Other names: short protein forms V63L.
Identifiers: ClinVar variation 1781867 (VCV001781867.5), dbSNP rs752453773, ClinGen allele CA4393379.
Genomic context (GRCh38, chr7:100,823,868, plus strand): 5'-CGCCCCGCCGTGGGACCCAACCTGTGCGAAGCCAGTGGGCCTGGCCCGGGGCACGCTGCA[C>G]GTCACACACTTCGTAGGTGCGCACGCTGTGCTGTTCCTCATCCAGGCCGCTCAGTTCCTC-3'
Protein context (NP_004435.3, residues 53-73): HSVRTYEVCD[Val63Leu]QRAPGQAHWL